The following is an entry in ClinVar:

ClinVar aggregate classification (germline): Uncertain significance (1 of 4 stars; one submission).

gnomAD v4.1: 4 of 1,614,160 alleles (0.00025%); highest among the groups gnomAD compares: Non-Finnish European, 0.00034%; no homozygotes.

Submission:

GeneDx
Classification: Uncertain significance. Last evaluated: 2026-03-05. Review status: criteria provided, single submitter. Criteria: GeneDx Variant Classification Process June 2021. Collection method: clinical testing. Allele origin: germline.
Comment: Not observed at significant frequency in large population cohorts (gnomAD); In silico analysis suggests that this missense variant does not alter protein structure/function; Has not been previously published as pathogenic or benign to our knowledge

NM_013352.4(DSE):c.2155A>G (p.Ile719Val)

Gene: DSE (dermatan sulfate epimerase; plus strand). Cytogenetic location: 6q22.1.
Variant type: single nucleotide variant.
Coding change: c.2155A>G on transcript NM_013352.4 (MANE Select); coding-DNA position 2155, A replaced by G.
Protein change: p.Ile719Val; replaces isoleucine 719 with valine.
Molecular consequence: missense variant. On other transcripts: 3 prime UTR variant (2), non-coding transcript variant (1).
Genome position (GRCh38, 1-based): chr6:116,436,623, A>G. VCF-style: chr6-116436623-A-G. GRCh37 (hg19) VCF-style: chr6-116757786-A-G.
Other names: c.2155A>G, p.Ile719Val (NM_001080976.3, NM_001322937.2, NM_001322938.2); c.2212A>G, p.Ile738Val (NM_001322939.2); c.1594A>G, p.Ile532Val (NM_001322940.2, NM_001322941.2); c.*1020A>G (NM_001322943.2, NM_001322944.2); c.1156A>G, p.Ile386Val (NM_001374520.1); c.1120A>G, p.Ile374Val (NM_001374521.1); short protein forms I374V, I386V, I532V, I719V, I738V.
Identifiers: ClinVar variation 4891517 (VCV004891517.1).